The following is an entry in ClinVar:

ClinVar aggregate classification (germline): Pathogenic (1 of 4 stars; one submission).

Conditions:
Autoimmune lymphoproliferative syndrome, type III caused by mutation in PRKCD. Identifiers: Orphanet 3261, Orphanet 664711, MedGen C3809928, MONDO:8000024, OMIM 615559.

Allele frequency attached by ClinVar (database versions not stated): gnomAD exomes below 0.00001; TOPMed below 0.00001; ExAC 0.00001.
gnomAD v4.1: 17 of 1,614,084 alleles (0.0011%); highest among the groups gnomAD compares: Non-Finnish European, 0.0014%; no homozygotes.

Submissions (2):

Labcorp Genetics (formerly Invitae), Labcorp
Classification: Pathogenic for Autoimmune lymphoproliferative syndrome, type III caused by mutation in PRKCD. Last evaluated: 2024-02-19. Review status: criteria provided, single submitter. Criteria: Invitae Variant Classification Sherloc (09022015). Collection method: clinical testing. Allele origin: germline.
Comment: This sequence change creates a premature translational stop signal (p.Gln191*) in the PRKCD gene. It is expected to result in an absent or disrupted protein product. Loss-of-function variants in PRKCD are known to be pathogenic (PMID: 11976687, 23319571, 23430113). This variant is present in population databases (rs576747810, gnomAD 0.0009%). This variant has not been reported in the literature in individuals affected with PRKCD-related conditions. ClinVar contains an entry for this variant (Variation ID: 958249). Algorithms developed to predict the effect of sequence changes on RNA splicing suggest that this variant may disrupt the consensus splice site. For these reasons, this variant has been classified as Pathogenic.

Dr. Peter K. Rogan Lab, Western University
No classification provided (evidence only). Condition: Lymphoma. Review status: no classification provided. Collection method: in vitro. Allele origin: not applicable. Functional consequence: retained intron. Not counted in ClinVar's aggregate classification.

Literature cited by the submitters: PubMed 11976687 (cited by Labcorp Genetics (formerly Invitae), Labcorp); PubMed 23319571 (cited by Labcorp Genetics (formerly Invitae), Labcorp); PubMed 23430113 (cited by Labcorp Genetics (formerly Invitae), Labcorp).

NM_006254.4(PRKCD):c.571C>T (p.Gln191Ter)

Gene: PRKCD (protein kinase C delta; plus strand). Cytogenetic location: 3p21.1.
Variant type: single nucleotide variant.
Coding change: c.571C>T on transcript NM_006254.4 (MANE Select); coding-DNA position 571, C replaced by T.
Protein change: p.Gln191Ter; replaces glutamine 191 with a stop codon.
Molecular consequence: nonsense.
Genome position (GRCh38, 1-based): chr3:53,181,732, C>T. VCF-style: chr3-53181732-C-T. GRCh37 (hg19) VCF-style: chr3-53215748-C-T.
Other names: c.571C>T, p.Gln191Ter (NM_001316327.2, NM_001354679.2, NM_001354680.2 and 1 more transcripts); c.628C>T, p.Gln210Ter (NM_001354676.2); c.619C>T, p.Gln207Ter (NM_001354678.2); short protein forms Q207*, Q191*, Q210*.
Identifiers: ClinVar variation 958249 (VCV000958249.7), dbSNP rs576747810, ClinGen allele CA2451828.